The following is an entry in ClinVar:

NM_006516.4(SLC2A1):c.971C>T (p.Ser324Leu)

Gene: SLC2A1 (solute carrier family 2 member 1; minus strand). Cytogenetic location: 1p34.2.
Variant type: single nucleotide variant.
Coding change: c.971C>T on transcript NM_006516.4 (MANE Select); coding-DNA position 971, C replaced by T.
Protein change: p.Ser324Leu; replaces serine 324 with leucine.
Molecular consequence: missense variant.
Genome position (GRCh38, 1-based): chr1:42,929,211, G>A on the plus strand (C>T on the coding strand, the complement: SLC2A1 is on the minus strand). VCF-style: chr1-42929211-G-A. GRCh37 (hg19) VCF-style: chr1-43394882-G-A.
Other names: p.S324L:TCG>TTG; short protein forms S324L.
Identifiers: ClinVar variation 207201 (VCV000207201.27), dbSNP rs796053253, ClinGen allele CA318448.

ClinVar aggregate classification (germline): Pathogenic/Likely pathogenic. Review status: criteria provided, multiple submitters, no conflicts (2 of 4 stars). 6 submissions from 6 submitters: Pathogenic (4); Likely pathogenic (2). Last evaluated 2026-01-08.

Conditions:
Inborn genetic diseases. Identifiers: MedGen C0950123, MeSH D030342.
Encephalopathy due to GLUT1 deficiency. Also called: GLUT1 deficiency syndrome 1, infantile onset, severe; Classic Glucose Transporter Type 1 Deficiency Syndrome; GLUCOSE TRANSPORT DEFECT, BLOOD-BRAIN BARRIER; Glucose transporter protein syndrome; GLUT1 deficiency syndrome 1; De Vivo disease. Identifiers: Orphanet 71277, MedGen C4551966, MONDO:0011724, OMIM 606777.
GLUT1 deficiency syndrome 1, autosomal recessive. Identifiers: MedGen C3149117.

Allele frequency attached by ClinVar (database versions not stated): gnomAD exomes below 0.00001.
gnomAD v4.1: 1 of 1,612,706 alleles (0.000062%); highest among the groups gnomAD compares: Non-Finnish European, 0.000085%; no homozygotes.

Submissions (6):

Ambry Genetics
Classification: Pathogenic for Inborn genetic diseases. Last evaluated: 2026-01-08. Review status: criteria provided, single submitter. Criteria: Ambry Variant Classification Scheme 2023. Collection method: clinical testing. Allele origin: germline.
Comment: The c.971C>T (p.S324L) alteration is located in exon 7 (coding exon 7) of the SLC2A1 gene. This alteration results from a C to T substitution at nucleotide position 971, causing the serine (S) at amino acid position 324 to be replaced by a leucine (L). This variant was not reported in population-based cohorts in the Genome Aggregation Database (gnomAD). This variant was identified in one or more individuals with features consistent with GLUT1 deficiency syndrome (Suls, 2009; Mullen, 2011; Olivotto, 2024) and segregated with disease in at least one family (Mullen, 2010). Additionally, in at least one individual, it was determined to be de novo (Olivotto, 2024). This amino acid position is highly conserved in available vertebrate species. This alteration is predicted to be deleterious by in silico analysis. Based on the available evidence, this alteration is classified as pathogenic.

Labcorp Genetics (formerly Invitae), Labcorp
Classification: Pathogenic for GLUT1 deficiency syndrome 1, autosomal recessive. Last evaluated: 2025-05-25. Review status: criteria provided, single submitter. Criteria: Invitae Variant Classification Sherloc (09022015). Collection method: clinical testing. Allele origin: germline.
Comment: This sequence change replaces serine, which is neutral and polar, with leucine, which is neutral and non-polar, at codon 324 of the SLC2A1 protein (p.Ser324Leu). This variant is not present in population databases (gnomAD no frequency). This missense change has been observed in individual(s) with early-onset absence epilepsy and epilepsy and paroxysmal exercise-induced dyskinesia (PMID: 19798636, 20574033, 25099510). It has also been observed to segregate with disease in related individuals. ClinVar contains an entry for this variant (Variation ID: 207201). An algorithm developed to predict the effect of missense changes on protein structure and function (PolyPhen-2) suggests that this variant is likely to be disruptive. Experimental studies have shown that this missense change affects SLC2A1 function (PMID: 19798636). For these reasons, this variant has been classified as Pathogenic.

CeGaT Center for Human Genetics Tuebingen
Classification: Pathogenic. Last evaluated: 2025-02-01. Review status: criteria provided, single submitter. Criteria: CeGaT Center For Human Genetics Tuebingen Variant Classification Criteria Version 2. Collection method: clinical testing. Allele origin: germline. Affected: yes. Observed: 1 variant allele.
Comment: SLC2A1: PP1:Strong, PM2, PS4:Moderate, PP3, PS3:Supporting

Genome-Nilou Lab
Classification: Likely pathogenic for Encephalopathy due to GLUT1 deficiency. Last evaluated: 2023-04-11. Review status: criteria provided, single submitter. Criteria: ACMG Guidelines, 2015. Collection method: clinical testing. Allele origin: germline. Affected: no.

Institute of Human Genetics, University of Leipzig Medical Center
Classification: Likely pathogenic for Encephalopathy due to GLUT1 deficiency. Last evaluated: 2021-11-18. Review status: criteria provided, single submitter. Criteria: ACMG Guidelines, 2015. Collection method: clinical testing. Allele origin: unknown. Affected: yes.
Comment: _x000D_ Criteria applied: PP1_STR, PS3_MOD, PS4_MOD, PM5, PM1_SUP, PM2_SUP, PP3

GeneDx
Classification: Pathogenic. Last evaluated: 2020-07-09. Review status: criteria provided, single submitter. Criteria: GeneDx Variant Classification Process June 2021. Collection method: clinical testing. Allele origin: germline. Affected: yes.
Comment: Published functional studies demonstrate impaired glucose transport (Suls et al., 2009); Not observed in large population cohorts (Lek et al., 2016); In silico analysis, which includes protein predictors and evolutionary conservation, supports a deleterious effect; This variant is associated with the following publications: (PMID: 26986070, 20574033, 24847886, 19798636, 26633542, 21555602, 25487684, 25022942, 28717674, 29655203, 25099510)

Literature cited by the submitters: PubMed 19798636 (cited by Ambry Genetics and Labcorp Genetics (formerly Invitae), Labcorp); PubMed 20574033 (cited by Ambry Genetics and Labcorp Genetics (formerly Invitae), Labcorp); PubMed 21555602 (cited by Ambry Genetics); PubMed 38914025 (cited by Ambry Genetics); PubMed 25099510 (cited by Labcorp Genetics (formerly Invitae), Labcorp).